The following is an entry in ClinVar:

NM_001164508.2(NEB):c.1649_1650del (p.Lys550fs)

Gene: NEB (nebulin; minus strand). Cytogenetic location: 2q23.3.
Variant type: Deletion.
Coding change: c.1649_1650del on transcript NM_001164508.2 (MANE Select); coding-DNA positions 1649 to 1650, 2 bases deleted (AA; older notation c.1649_1650delAA).
Protein change: p.Lys550fs; shifts the reading frame from lysine 550.
Molecular consequence: frameshift variant.
Genome position (GRCh38, 1-based): chr2:151,695,602-151,695,603, TT deleted on the plus strand (AA on the coding strand, the reverse complement: NEB is on the minus strand); deleting any 2 consecutive bases within chr2:151,695,602-151,695,604 gives the same sequence; the c. name uses the placement nearest the transcript's 3' end. VCF-style (leftmost placement, unchanged base first): chr2-151695601-CTT-C. GRCh37 (hg19) VCF-style: chr2-152552115-CTT-C.
Other names: c.1649_1650del, p.Lys550fs (NM_001164507.2, NM_001271208.2, NM_004543.5); short protein forms K550fs.
Identifiers: ClinVar variation 2835983 (VCV002835983.3), dbSNP rs2552269104, ClinGen allele CA2661474813.

ClinVar aggregate classification (germline): Pathogenic (1 of 4 stars; one submission).

Conditions:
Nemaline myopathy 2 (NEM2). Also called: Nemaline myopathy 2, autosomal recessive. Identifiers: MedGen C1850569, MONDO:0009725, OMIM 256030.

Submission:

Labcorp Genetics (formerly Invitae), Labcorp
Classification: Pathogenic for Nemaline myopathy 2. Last evaluated: 2023-02-18. Review status: criteria provided, single submitter. Criteria: Invitae Variant Classification Sherloc (09022015). Collection method: clinical testing. Allele origin: germline.
Comment: This sequence change creates a premature translational stop signal (p.Lys550Serfs*5) in the NEB gene. It is expected to result in an absent or disrupted protein product. Loss-of-function variants in NEB are known to be pathogenic (PMID: 25205138). This variant is not present in population databases (gnomAD no frequency). This variant has not been reported in the literature in individuals affected with NEB-related conditions. For these reasons, this variant has been classified as Pathogenic.

Literature cited by the submitters: PubMed 25205138.